The following is an entry in ClinVar:

NM_025137.4(SPG11):c.4507A>G (p.Met1503Val)

Gene: SPG11 (SPG11 vesicle trafficking associated, spatacsin; minus strand). Cytogenetic location: 15q21.1.
Variant type: single nucleotide variant.
Coding change: c.4507A>G on transcript NM_025137.4 (MANE Select); coding-DNA position 4507, A replaced by G.
Protein change: p.Met1503Val; replaces methionine 1503 with valine.
Molecular consequence: missense variant.
Genome position (GRCh38, 1-based): chr15:44,595,387, T>C on the plus strand (A>G on the coding strand, the complement: SPG11 is on the minus strand). VCF-style: chr15-44595387-T-C. GRCh37 (hg19) VCF-style: chr15-44887585-T-C.
Other names: c.4507A>G, p.Met1503Val (NM_001160227.2, NM_001411132.1); short protein forms M1503V.
Identifiers: ClinVar variation 1999743 (VCV001999743.1), dbSNP rs2505362097, ClinGen allele CA392226571.

ClinVar aggregate classification (germline): Uncertain significance (1 of 4 stars; one submission).

Conditions:
Hereditary spastic paraplegia 11. Also called: Spastic Paraplegia 11; Spastic paraplegia, mental retardation and thin corpus callosum; Nakamura Osame syndrome; Autosomal recessive hereditary spastic paraplegia, mental impairment, and thin corpus callosum; SPASTIC PARAPLEGIA, AUTOSOMAL RECESSIVE, COMPLICATED, WITH THIN CORPUS CALLOSUM; SPASTIC PARAPLEGIA, AUTOSOMAL RECESSIVE, WITH MENTAL IMPAIRMENT AND THIN CORPUS CALLOSUM. Identifiers: Orphanet 2822, MedGen C1858479, MONDO:0011445, OMIM 604360.

Submission:

Labcorp Genetics (formerly Invitae), Labcorp
Classification: Uncertain significance for Hereditary spastic paraplegia 11. Last evaluated: 2022-05-27. Review status: criteria provided, single submitter. Criteria: Invitae Variant Classification Sherloc (09022015). Collection method: clinical testing. Allele origin: germline.
Comment: This sequence change replaces methionine, which is neutral and non-polar, with valine, which is neutral and non-polar, at codon 1503 of the SPG11 protein (p.Met1503Val). This variant is not present in population databases (gnomAD no frequency). This variant has not been reported in the literature in individuals affected with SPG11-related conditions. Algorithms developed to predict the effect of missense changes on protein structure and function output the following: SIFT: "Tolerated"; PolyPhen-2: "Benign"; Align-GVGD: "Class C0". The valine amino acid residue is found in multiple mammalian species, which suggests that this missense change does not adversely affect protein function. In summary, the available evidence is currently insufficient to determine the role of this variant in disease. Therefore, it has been classified as a Variant of Uncertain Significance.